The following is an entry in ClinVar:

NM_001876.4(CPT1A):c.1576-9_1587del

Gene: CPT1A (carnitine palmitoyltransferase 1A; minus strand). Cytogenetic location: 11q13.3.
Variant type: Deletion.
Coding change: c.1576-9_1587del on transcript NM_001876.4 (MANE Select); 9 bases into the intron before coding-DNA position 1576 through coding-DNA position 1587, 21 bases deleted (TCTCTCAAGTGTCAAGAGGTT).
Molecular consequence: splice acceptor variant.
Genome position (GRCh38, 1-based): chr11:68,773,418-68,773,438, AACCTCTTGACACTTGAGAGA deleted on the plus strand (TCTCTCAAGTGTCAAGAGGTT on the coding strand, the reverse complement: CPT1A is on the minus strand); deleting any 21 consecutive bases within chr11:68,773,418-68,773,440 gives the same sequence; the c. name uses the placement nearest the transcript's 3' end. VCF-style (leftmost placement, unchanged base first): chr11-68773417-TAACCTCTTGACACTTGAGAGA-T. GRCh37 (hg19) VCF-style: chr11-68540885-TAACCTCTTGACACTTGAGAGA-T.
Other names: c.1576-9_1587del (NM_001031847.3).
Identifiers: ClinVar variation 3645781 (VCV003645781.2).
Genomic context (GRCh38, chr11:68,773,417, plus strand): 5'-GGAAGGAATGGAAATCCACGTCGTTTGCCAGAAGATTTGCGGTGTTCAGGGAGGTCTCTA[TAACCTCTTGACACTTGAGAGA>T]AAGAAGAAAAAGGTTTTACGGAACGAGGGGAGAAAAGTACTGACGCACACCCAGAAGGAA-3'

ClinVar aggregate classification (germline): Likely pathogenic (1 of 4 stars; one submission).

Conditions:
Carnitine palmitoyl transferase 1A deficiency. Also called: Carnitine palmitoyltransferase type I deficiency; CPT deficiency, hepatic, type IA; Carnitine palmitoyltransferase 1A deficiency; CPT I DEFICIENCY; CPT DEFICIENCY, HEPATIC, TYPE I. Identifiers: Orphanet 156, MedGen C1829703, MONDO:0009705, OMIM 255120.

Submission:

Labcorp Genetics (formerly Invitae), Labcorp
Classification: Likely pathogenic for Carnitine palmitoyl transferase 1A deficiency. Last evaluated: 2024-03-13. Review status: criteria provided, single submitter. Criteria: Invitae Variant Classification Sherloc (09022015). Collection method: clinical testing. Allele origin: germline.
Comment: This variant results in the deletion of part of exon 14 (c.1576-9_1587del) of the CPT1A gene. It is expected to disrupt RNA splicing. Variants that disrupt the donor or acceptor splice site typically lead to a loss of protein function (PMID: 16199547), and loss-of-function variants in CPT1A are known to be pathogenic (PMID: 16169268). This variant is not present in population databases (gnomAD no frequency). This variant has not been reported in the literature in individuals affected with CPT1A-related conditions. In summary, the currently available evidence indicates that the variant is pathogenic, but additional data are needed to prove that conclusively. Therefore, this variant has been classified as Likely Pathogenic.

Literature cited by the submitters: PubMed 16199547; PubMed 16169268.